The following is an entry in ClinVar:

NM_000535.7(PMS2):c.690_691del (p.Phe231fs)

Gene: PMS2 (PMS1 homolog 2, mismatch repair system component; minus strand). Cytogenetic location: 7p22.1.
Variant type: Microsatellite.
Coding change: c.690_691del on transcript NM_000535.7 (MANE Select); coding-DNA positions 690 to 691, 2 bases deleted (GT; older notation c.690_691delGT).
Protein change: p.Phe231fs; shifts the reading frame from phenylalanine 231.
Molecular consequence: frameshift variant. On other transcripts: 5 prime UTR variant (2), non-coding transcript variant (1), intron variant (1).
Genome position (GRCh38, 1-based): chr7:5,999,122-5,999,123, AC deleted on the plus strand (GT on the coding strand, the reverse complement: PMS2 is on the minus strand); deleting any 2 consecutive bases within chr7:5,999,122-5,999,126 gives the same sequence; the c. name uses the placement nearest the transcript's 3' end. VCF-style (leftmost placement, unchanged base first): chr7-5999121-AAC-A. GRCh37 (hg19) VCF-style: chr7-6038752-AAC-A.
Other names: c.285_286del, p.Phe96fs (NM_001322003.2, NM_001322004.2, NM_001322005.2 and 2 more transcripts); c.690_691del, p.Phe231fs (NM_001322006.2, NM_001322014.2); c.372_373del, p.Phe125fs (NM_001322007.2, NM_001322008.2); c.-246GT[1] (NM_001322011.2, NM_001322012.2); c.381_382del, p.Phe128fs (NM_001322015.2); c.133-1700_133-1699del (NM_001322013.2); c.690_691delGT (NM_000535.5); c.690_691del (NM_000535.5); short protein forms F231fs, F96fs, F125fs, F128fs.
Identifiers: ClinVar variation 421919 (VCV000421919.16), dbSNP rs1064795447, ClinGen allele CA16618525.

ClinVar aggregate classification (germline): Pathogenic. Review status: criteria provided, multiple submitters, no conflicts (2 of 4 stars). 5 submissions from 5 submitters: Pathogenic (5). Last evaluated 2024-09-12.

Conditions:
Hereditary nonpolyposis colorectal neoplasms. Identifiers: MedGen C0009405, MeSH D003123.
Hereditary cancer-predisposing syndrome. Also called: Hereditary neoplastic syndrome; Neoplastic Syndromes, Hereditary; Tumor predisposition; Hereditary Cancer Syndrome. Identifiers: Orphanet 140162, MedGen C0027672, MeSH D009386, MONDO:0015356.
Lynch syndrome 4 (LYNCH4). Also called: Colorectal cancer, hereditary nonpolyposis, type 4; Hereditary non-polyposis colorectal cancer, type 4. Identifiers: Orphanet 144, MedGen C1838333, MONDO:0013699, OMIM 614337. Disease mechanism: loss of function.

Submissions (5):

GeneDx
Classification: Pathogenic. Last evaluated: 2024-09-12. Review status: criteria provided, single submitter. Criteria: GeneDx Variant Classification Process June 2021. Collection method: clinical testing. Allele origin: germline. Affected: yes.
Comment: Frameshift variant predicted to result in protein truncation or nonsense mediated decay in a gene for which loss of function is a known mechanism of disease; Not observed at significant frequency in large population cohorts (gnomAD); Truncating variants in this gene are considered pathogenic by a well-established clinical consortium and/or database; This variant is associated with the following publications: (PMID: 33309985, 34271781, 34083606, 32283892)

Labcorp Genetics (formerly Invitae), Labcorp
Classification: Pathogenic for Hereditary nonpolyposis colorectal neoplasms. Last evaluated: 2024-08-18. Review status: criteria provided, single submitter. Criteria: Invitae Variant Classification Sherloc (09022015). Collection method: clinical testing. Allele origin: germline.
Comment: This sequence change creates a premature translational stop signal (p.Phe231Trpfs*17) in the PMS2 gene. It is expected to result in an absent or disrupted protein product. Loss-of-function variants in PMS2 are known to be pathogenic (PMID: 21376568, 24362816). This variant is not present in population databases (gnomAD no frequency). This premature translational stop signal has been observed in individual(s) with colorectal cancer (PMID: 32283892). ClinVar contains an entry for this variant (Variation ID: 421919). For these reasons, this variant has been classified as Pathogenic.

Ambry Genetics
Classification: Pathogenic for Hereditary cancer-predisposing syndrome. Last evaluated: 2023-05-08. Review status: criteria provided, single submitter. Criteria: Ambry Variant Classification Scheme 2023. Collection method: clinical testing. Allele origin: germline.
Comment: The c.690_691delGT pathogenic mutation, located in coding exon 6 of the PMS2 gene, results from a deletion of two nucleotides at nucleotide positions 690 to 691, causing a translational frameshift with a predicted alternate stop codon (p.F231Wfs*17). This alteration was identified in Turkish colorectal cancer patients undergoing multigene panel testing for hereditary cancer risk. (Erdem HB et al. Turk J Med Sci, 2020 Jun;50:1015-1021) (Duzkale N et al. J Coll Physicians Surg Pak, 2021 Jul;30:811-816). This variant was identified in 1/383 minority patients with endometrial cancer (Huang M et al. Sci Rep, 2021 Jun;11:11712). This variant is considered to be rare based on population cohorts in the Genome Aggregation Database (gnomAD). In addition to the clinical data presented in the literature, this alteration is expected to result in loss of function by premature protein truncation or nonsense-mediated mRNA decay. As such, this alteration is interpreted as a disease-causing mutation.

Myriad Genetics, Inc.
Classification: Pathogenic for Lynch syndrome 4. Last evaluated: 2022-12-29. Review status: criteria provided, single submitter. Criteria: Myriad Autosomal Dominant, Autosomal Recessive and X-Linked Classification Criteria (2023). Collection method: clinical testing. Allele origin: unknown.
Comment: This variant is considered pathogenic. This variant creates a frameshift predicted to result in premature protein truncation.

Color Diagnostics, LLC DBA Color Health
Classification: Pathogenic for Hereditary cancer-predisposing syndrome. Last evaluated: 2020-01-15. Review status: criteria provided, single submitter. Criteria: ACMG Guidelines, 2015. Collection method: clinical testing. Allele origin: germline.
Comment: This variant deletes 2 nucleotides in exon 6 of the PMS2 gene, creating a frameshift and premature translation stop signal. This variant is expected to result in an absent or non-functional protein product. This variant has not been identified in the general population by the Genome Aggregation Database (gnomAD). Loss of PMS2 function is a known mechanism of disease. Based on the available evidence, this variant is classified as Pathogenic.

Literature cited by the submitters: PubMed 21376568 (cited by Labcorp Genetics (formerly Invitae), Labcorp); PubMed 24362816 (cited by Labcorp Genetics (formerly Invitae), Labcorp); PubMed 32283892 (cited by Labcorp Genetics (formerly Invitae), Labcorp and Ambry Genetics); PubMed 34083606 (cited by Ambry Genetics); PubMed 34271781 (cited by Ambry Genetics).